The following is an entry in ClinVar:

NM_024027.5(COLEC11):c.130+1784T>C

Gene: COLEC11 (collectin subfamily member 11; plus strand). Cytogenetic location: 2p25.3.
Variant type: single nucleotide variant.
Coding change: c.130+1784T>C on transcript NM_024027.5 (MANE Select); 1784 bases into the intron after coding-DNA position 130, T replaced by C.
Molecular consequence: intron variant.
Genome position (GRCh38, 1-based): chr2:3,606,254, T>C. VCF-style: chr2-3606254-T-C. GRCh37 (hg19) VCF-style: chr2-3653844-T-C.
Other names: c.172+1784T>C (NM_001255985.1); c.42+1784T>C (NM_199235.3); c.130+1784T>C (NM_001255983.2, NM_001255982.2, NM_001255984.2); c.52+11T>C (NM_001255986.1, NM_001255988.1, NM_001255987.1 and 1 more transcripts).
Identifiers: ClinVar variation 402557 (VCV000402557.6), dbSNP rs3739147, ClinGen allele CA1516847.

ClinVar aggregate classification (germline): Benign/Likely benign. Review status: criteria provided, multiple submitters, no conflicts (2 of 4 stars). 3 submissions from 3 submitters: Benign (2); Likely benign (1). Last evaluated 2024-11-26.

Allele frequency attached by ClinVar (database versions not stated): TOPMed 0.68027; gnomAD 0.69137; gnomAD exomes 0.70063 and 0.75330; 1000 Genomes Project 30x 0.74469; 1000 Genomes Project 0.75120; ExAC 0.78266.
gnomAD v4.1: 1,083,303 of 1,548,874 alleles (70%); highest among the groups gnomAD compares: South Asian, 88%; 382,192 homozygotes.

Submissions (3):

Blueprint Genetics
Classification: Likely benign. Last evaluated: 2024-11-26. Review status: criteria provided, single submitter. Criteria: ACMG Guidelines, 2015. Collection method: clinical testing. Allele origin: germline.

Laboratory for Molecular Medicine, Mass General Brigham Personalized Medicine
Classification: Benign. Last evaluated: 2016-03-28. Review status: criteria provided, single submitter. Criteria: LMM Criteria. Collection method: clinical testing. Allele origin: germline.
Comment: Variant identified in a genome or exome case(s) and assessed due to predicted null impact of the variant or pathogenic assertions in the literature or databases. Disclaimer: This variant has not undergone full assessment. The following are preliminary notes: Frequency

Breakthrough Genomics
Classification: Benign. Review status: criteria provided, single submitter. Criteria: ACMG Guidelines, 2015. Collection method: not provided. Allele origin: germline. Inheritance: Autosomal recessive inheritance. Affected: yes.